The following is an entry in ClinVar:

ClinVar aggregate classification (germline): Uncertain significance (1 of 4 stars; one submission).

Conditions:
Jeune thoracic dystrophy. Also called: Short-rib thoracic dysplasia; Infantile thoracic dystrophy; Thoracic pelvic phalangeal dystrophy; Jeune's syndrome; Chondroectodermal dysplasia-like syndrome; Jeune syndrome. Identifiers: Orphanet 474, MedGen C0265275, MONDO:0018770.
Nephronophthisis. Also called: Juvenile Nephronophthisis. Identifiers: Orphanet 655, MedGen C0687120, MONDO:0019005, HP:0000090.

Submission:

Labcorp Genetics (formerly Invitae), Labcorp
Classification: Uncertain significance for Jeune thoracic dystrophy; Nephronophthisis. Last evaluated: 2021-08-12. Review status: criteria provided, single submitter. Criteria: Invitae Variant Classification Sherloc (09022015). Collection method: clinical testing. Allele origin: germline.
Comment: In summary, the available evidence is currently insufficient to determine the role of this variant in disease. Therefore, it has been classified as a Variant of Uncertain Significance. Algorithms developed to predict the effect of missense changes on protein structure and function (SIFT, PolyPhen-2, Align-GVGD) all suggest that this variant is likely to be tolerated. This variant has not been reported in the literature in individuals affected with TTC21B-related conditions. This variant is not present in population databases (ExAC no frequency). This sequence change replaces methionine with arginine at codon 706 of the TTC21B protein (p.Met706Arg). The methionine residue is moderately conserved and there is a moderate physicochemical difference between methionine and arginine.

NM_024753.5(TTC21B):c.2117T>G (p.Met706Arg)

Gene: TTC21B (tetratricopeptide repeat domain 21B; minus strand). Cytogenetic location: 2q24.3.
Variant type: single nucleotide variant.
Coding change: c.2117T>G on transcript NM_024753.5 (MANE Select); coding-DNA position 2117, T replaced by G.
Protein change: p.Met706Arg; replaces methionine 706 with arginine.
Molecular consequence: missense variant.
Genome position (GRCh38, 1-based): chr2:165,915,222, A>C on the plus strand (T>G on the coding strand, the complement: TTC21B is on the minus strand). VCF-style: chr2-165915222-A-C. GRCh37 (hg19) VCF-style: chr2-166771732-A-C.
Other names: short protein forms M706R.
Identifiers: ClinVar variation 1410867 (VCV001410867.6), dbSNP rs2105323931, ClinGen allele CA349058581.